The following is an entry in ClinVar:

ClinVar aggregate classification (germline): Uncertain significance (1 of 4 stars; one submission).

Allele frequency attached by ClinVar (database versions not stated): gnomAD 0.00001; ExAC 0.00002; TOPMed 0.00002.
gnomAD v4.1: 12 of 1,609,854 alleles (0.00075%); highest among the groups gnomAD compares: South Asian, 0.0011%; no homozygotes.

Submission:

Labcorp Genetics (formerly Invitae), Labcorp
Classification: Uncertain significance. Last evaluated: 2022-07-14. Review status: criteria provided, single submitter. Criteria: Invitae Variant Classification Sherloc (09022015). Collection method: clinical testing. Allele origin: germline.
Comment: This sequence change replaces threonine, which is neutral and polar, with methionine, which is neutral and non-polar, at codon 116 of the PISD protein (p.Thr116Met). This variant is present in population databases (rs755072359, gnomAD 0.003%). This variant has not been reported in the literature in individuals affected with PISD-related conditions. Algorithms developed to predict the effect of missense changes on protein structure and function are either unavailable or do not agree on the potential impact of this missense change (SIFT: "Not Available"; PolyPhen-2: "Possibly Damaging"; Align-GVGD: "Not Available"). In summary, the available evidence is currently insufficient to determine the role of this variant in disease. Therefore, it has been classified as a Variant of Uncertain Significance.

NM_001326411.2(PISD):c.347C>T (p.Thr116Met)

Gene: PISD (phosphatidylserine decarboxylase; minus strand). Cytogenetic location: 22q12.2.
Variant type: single nucleotide variant.
Coding change: c.347C>T on transcript NM_001326411.2 (MANE Select); coding-DNA position 347, C replaced by T.
Protein change: p.Thr116Met; replaces threonine 116 with methionine.
Molecular consequence: missense variant. On other transcripts: intron variant (1).
Genome position (GRCh38, 1-based): chr22:31,621,860, G>A on the plus strand (C>T on the coding strand, the complement: PISD is on the minus strand). VCF-style: chr22-31621860-G-A. GRCh37 (hg19) VCF-style: chr22-32017846-G-A.
Other names: c.284C>T, p.Thr95Met (NM_001326413.2, NM_001326414.2); c.245C>T, p.Thr82Met (NM_001326415.2, NM_001326416.2, NM_001326417.2 and 3 more transcripts); c.167C>T, p.Thr56Met (NM_001326418.2, NM_001326420.2); c.347C>T, p.Thr116Met (NM_001326421.1); c.322-38C>T (NM_001326412.1); short protein forms T82M, T116M, T95M, T56M.
Identifiers: ClinVar variation 1965153 (VCV001965153.2), dbSNP rs755072359, ClinGen allele CA10194826.
Genomic context (GRCh38, chr22:31,621,860, plus strand): 5'-CGCAGCCAGTGTGGCAGCTCCACCTGATTGAGGCGACCCCAGGCCCGTGACAGCAAGCGC[G>A]TTGGCACTGACTTGTACAAAGCCACCTGCAGGCCACAGGGCAAGGGGCTGAGTTGACCAC-3'
Protein context (NP_001313340.1, residues 106-126): WEVALYKSVP[Thr116Met]RLLSRAWGRL